The following is an entry in ClinVar:

ClinVar aggregate classification (germline): Uncertain significance (1 of 4 stars; one submission).

Allele frequency attached by ClinVar (database versions not stated): gnomAD exomes below 0.00001; gnomAD 0.00001.
gnomAD v4.1: 5 of 1,611,968 alleles (0.00031%); highest among the groups gnomAD compares: Non-Finnish European, 0.00034%; no homozygotes.

Submission:

Labcorp Genetics (formerly Invitae), Labcorp
Classification: Uncertain significance. Last evaluated: 2025-12-21. Review status: criteria provided, single submitter. Criteria: Invitae Variant Classification Sherloc (09022015). Collection method: clinical testing. Allele origin: germline.
Comment: This sequence change replaces proline, which is neutral and non-polar, with alanine, which is neutral and non-polar, at codon 310 of the CD46 protein (p.Pro310Ala). This variant is present in population databases (no rsID available, gnomAD 0.0009%). This variant has not been reported in the literature in individuals affected with CD46-related conditions. ClinVar contains an entry for this variant (Variation ID: 1375291). An algorithm developed to predict the effect of missense changes on protein structure and function (PolyPhen-2) suggests that this variant is likely to be tolerated. In summary, the available evidence is currently insufficient to determine the role of this variant in disease. Therefore, it has been classified as a Variant of Uncertain Significance.

NM_172351.3(CD46):c.883C>G (p.Pro295Ala)

Gene: CD46 (CD46 molecule; plus strand). Cytogenetic location: 1q32.2.
Variant type: single nucleotide variant.
Coding change: c.883C>G on transcript NM_172351.3 (MANE Select); coding-DNA position 883, C replaced by G.
Protein change: p.Pro295Ala; replaces proline 295 with alanine.
Molecular consequence: missense variant. On other transcripts: intron variant (5).
Genome position (GRCh38, 1-based): chr1:207,767,805, C>G. VCF-style: chr1-207767805-C-G. GRCh37 (hg19) VCF-style: chr1-207941150-C-G.
Other names: c.928C>G, p.Pro310Ala (NM_002389.4, NM_172359.3); c.883C>G, p.Pro295Ala (NM_153826.4, NM_172355.3, NM_172356.3 and 1 more transcripts); c.856+610C>G (NM_172352.3, NM_172353.3, NM_172350.3 and 2 more transcripts); short protein forms P295A, P310A.
Identifiers: ClinVar variation 1375291 (VCV001375291.6), dbSNP rs1447856236, ClinGen allele CA344551339.